The following is an entry in ClinVar:

NM_014915.3(ANKRD26):c.475A>G (p.Ile159Val)

Gene: ANKRD26 (ankyrin repeat domain containing 26; minus strand). Cytogenetic location: 10p12.1.
Variant type: single nucleotide variant.
Coding change: c.475A>G on transcript NM_014915.3 (MANE Select); coding-DNA position 475, A replaced by G.
Protein change: p.Ile159Val; replaces isoleucine 159 with valine.
Molecular consequence: missense variant.
Genome position (GRCh38, 1-based): chr10:27,093,405, T>C on the plus strand (A>G on the coding strand, the complement: ANKRD26 is on the minus strand). VCF-style: chr10-27093405-T-C. GRCh37 (hg19) VCF-style: chr10-27382334-T-C.
Other names: c.475A>G, p.Ile159Val (NM_001256053.2); short protein forms I159V.
Identifiers: ClinVar variation 3396595 (VCV003396595.1).

ClinVar aggregate classification (germline): Uncertain significance (1 of 4 stars; one submission).

Conditions:
Inborn genetic diseases. Identifiers: MedGen C0950123, MeSH D030342.

gnomAD v4.1: 2 of 1,614,204 alleles (0.00012%); highest among the groups gnomAD compares: Admixed American, 0.0017%; no homozygotes.

Submission:

Ambry Genetics
Classification: Uncertain significance for Inborn genetic diseases. Last evaluated: 2024-11-22. Review status: criteria provided, single submitter. Criteria: Ambry Variant Classification Scheme 2023. Collection method: clinical testing. Allele origin: germline.
Comment: The p.I159V variant (also known as c.475A>G), located in coding exon 3 of the ANKRD26 gene, results from an A to G substitution at nucleotide position 475. The isoleucine at codon 159 is replaced by valine, an amino acid with highly similar properties. This amino acid position is conserved. In addition, this alteration is predicted to be tolerated by in silico analysis. Based on the available evidence, the clinical significance of this variant remains unclear.